The following is an entry in ClinVar:

ClinVar aggregate classification (germline): Pathogenic (1 of 4 stars; one submission).

Conditions:
Neuronal ceroid lipofuscinosis 2. Also called: TPP1-Related Neuronal Ceroid-Lipofuscinosis; JANSKY-BIELSCHOWSKY DISEASE NEURONAL CEROID LIPOFUSCINOSIS, LATE INFANTILE. Identifiers: Orphanet 168491, Orphanet 228349, Orphanet 79264, MedGen C1876161, MONDO:0008769, OMIM 204500.

Submission:

Myriad Genetics, Inc.
Classification: Pathogenic for Neuronal ceroid lipofuscinosis 2. Last evaluated: 2024-05-11. Review status: criteria provided, single submitter. Criteria: Myriad Autosomal Dominant, Autosomal Recessive and X-Linked Classification Criteria (2023). Collection method: clinical testing. Allele origin: unknown.
Comment: NM_000391.3(TPP1):c.607delT(S203Lfs*2) is expected to be pathogenic in the context of TPP1-related neuronal ceroid lipofuscinosis. This variant is predicted to lead to an abnormal or absent protein product due to the creation of a premature termination codon in TPP1, a gene where loss-of-function variants are known to be pathogenic. Please note: this variant was assessed in the context of healthy population screening.

NM_000391.4(TPP1):c.607del (p.Ser203fs)

Gene: TPP1 (tripeptidyl peptidase 1; minus strand). Cytogenetic location: 11p15.4.
Variant type: Deletion.
Coding change: c.607del on transcript NM_000391.4 (MANE Select); coding-DNA position 607, one base deleted (T; older notation c.607delT).
Protein change: p.Ser203fs; shifts the reading frame from serine 203.
Molecular consequence: frameshift variant.
Genome position (GRCh38, 1-based): chr11:6,617,055, A deleted on the plus strand (T on the coding strand, the reverse complement: TPP1 is on the minus strand). VCF-style (leftmost placement, unchanged base first): chr11-6617054-GA-G. GRCh37 (hg19) VCF-style: chr11-6638285-GA-G.
Other names: short protein forms S203fs.
Identifiers: ClinVar variation 5013041 (VCV005013041.1).